The following is an entry in ClinVar:

NM_001330260.2(SCN8A):c.1970C>G (p.Ser657Cys)

Gene: SCN8A (sodium voltage-gated channel alpha subunit 8; plus strand). Cytogenetic location: 12q13.13.
Variant type: single nucleotide variant.
Coding change: c.1970C>G on transcript NM_001330260.2 (MANE Select); coding-DNA position 1970, C replaced by G.
Protein change: p.Ser657Cys; replaces serine 657 with cysteine.
Molecular consequence: missense variant.
Genome position (GRCh38, 1-based): chr12:51,721,880, C>G. VCF-style: chr12-51721880-C-G. GRCh37 (hg19) VCF-style: chr12-52115664-C-G.
Other names: c.1970C>G, p.Ser657Cys (NM_001177984.3, NM_001369788.1, NM_014191.4); short protein forms S657C.
Identifiers: ClinVar variation 2091782 (VCV002091782.4), dbSNP rs2540204567, ClinGen allele CA385229964.

ClinVar aggregate classification (germline): Uncertain significance (1 of 4 stars; one submission).

Conditions:
Early-infantile DEE. Also called: Ohtahara syndrome; Early infantile epileptic encephalopathy with suppression bursts; Early infantile epileptic encephalopathy. Identifiers: Orphanet 1934, MedGen C0393706, MONDO:0800491.

Submission:

Labcorp Genetics (formerly Invitae), Labcorp
Classification: Uncertain significance for Early-infantile DEE. Last evaluated: 2023-01-16. Review status: criteria provided, single submitter. Criteria: Invitae Variant Classification Sherloc (09022015). Collection method: clinical testing. Allele origin: germline.
Comment: In summary, the available evidence is currently insufficient to determine the role of this variant in disease. Therefore, it has been classified as a Variant of Uncertain Significance. Advanced modeling of protein sequence and biophysical properties (such as structural, functional, and spatial information, amino acid conservation, physicochemical variation, residue mobility, and thermodynamic stability) performed at Invitae indicates that this missense variant is not expected to disrupt SCN8A protein function. This variant has not been reported in the literature in individuals affected with SCN8A-related conditions. This variant is not present in population databases (gnomAD no frequency). This sequence change replaces serine, which is neutral and polar, with cysteine, which is neutral and slightly polar, at codon 657 of the SCN8A protein (p.Ser657Cys).